The following is an entry in ClinVar:

ClinVar aggregate classification (germline): Uncertain significance (1 of 4 stars; one submission).

gnomAD v4.1: 6 of 1,614,056 alleles (0.00037%); highest among the groups gnomAD compares: African/African-American, 0.008%; no homozygotes.

Submission:

GeneDx
Classification: Uncertain significance. Last evaluated: 2023-11-14. Review status: criteria provided, single submitter. Criteria: GeneDx Variant Classification Process June 2021. Collection method: clinical testing. Allele origin: germline. Affected: yes.
Comment: In silico analysis supports that this missense variant has a deleterious effect on protein structure/function; Has not been previously published as pathogenic or benign to our knowledge

NM_000092.5(COL4A4):c.3076C>T (p.Pro1026Ser)

Gene: COL4A4 (collagen type IV alpha 4 chain; minus strand). Cytogenetic location: 2q36.3.
Variant type: single nucleotide variant.
Coding change: c.3076C>T on transcript NM_000092.5 (MANE Select); coding-DNA position 3076, C replaced by T.
Protein change: p.Pro1026Ser; replaces proline 1026 with serine.
Molecular consequence: missense variant.
Genome position (GRCh38, 1-based): chr2:227,051,051, G>A on the plus strand (C>T on the coding strand, the complement: COL4A4 is on the minus strand). VCF-style: chr2-227051051-G-A. GRCh37 (hg19) VCF-style: chr2-227915767-G-A.
Other names: short protein forms P1026S.
Identifiers: ClinVar variation 3364046 (VCV003364046.1).
Genomic context (GRCh38, chr2:227,051,051, plus strand): 5'-GTCCTGGAAAACCAATGAACCCTCTTAGACCAGTTGAGCCTGGAGGGCCTGGGGGTCCAG[G>A]AGGCCCTGGCTGACCTTTCTCACCAGGTTCCCCTCTGTGAAATCCAGGTGGTCCGTATCT-3'
Protein context (NP_000083.3, residues 1016-1036): EPGEKGQPGP[Pro1026Ser]GPPGPPGSTG